The following is an entry in ClinVar:

NM_000038.6(APC):c.8011T>C (p.Ser2671Pro)

Gene: APC (APC regulator of Wnt signaling pathway; plus strand). Cytogenetic location: 5q22.2.
Variant type: single nucleotide variant.
Coding change: c.8011T>C on transcript NM_000038.6 (MANE Select); coding-DNA position 8011, T replaced by C.
Protein change: p.Ser2671Pro; replaces serine 2671 with proline.
Molecular consequence: missense variant. On other transcripts: non-coding transcript variant (2).
Genome position (GRCh38, 1-based): chr5:112,843,605, T>C. VCF-style: chr5-112843605-T-C. GRCh37 (hg19) VCF-style: chr5-112179302-T-C.
Other names: c.7624T>C, p.Ser2542Pro (NM_001407469.1, NM_001407467.1); c.7162T>C, p.Ser2388Pro (NM_001407470.1, NM_001354906.2); c.6859T>C, p.Ser2287Pro (NM_001407471.1, NM_001407472.1); c.8011T>C, p.Ser2671Pro (NM_001127510.3, NM_001354895.2, NM_001407450.1); c.7957T>C, p.Ser2653Pro (NM_001127511.3); c.8065T>C, p.Ser2689Pro (NM_001354896.2, NM_001407447.1, NM_001407448.1 and 1 more transcripts); c.8041T>C, p.Ser2681Pro (NM_001354897.2); c.7936T>C, p.Ser2646Pro (NM_001354898.2); and 11 more; short protein forms S2287P, S2388P, S2511P, S2588P, S2689P, S2699P, S2545P, S2630P.
Identifiers: ClinVar variation 3409472 (VCV003409472.1).
Genomic context (GRCh38, chr5:112,843,605, plus strand): 5'-GTTTCTAAAACAGAGGATGTTTGGGTGAGAATTGAGGACTGTCCCATTAACAATCCTAGA[T>C]CTGGAAGATCTCCCACAGGTAATACTCCCCCGGTGATTGACAGTGTTTCAGAAAAGGCAA-3'
Protein context (NP_000029.2, residues 2661-2681): IEDCPINNPR[Ser2671Pro]GRSPTGNTPP

ClinVar aggregate classification (germline): Uncertain significance (1 of 4 stars; one submission).

Conditions:
Hereditary cancer-predisposing syndrome. Also called: Neoplastic Syndromes, Hereditary; Tumor predisposition; Hereditary Cancer Syndrome; Hereditary neoplastic syndrome. Identifiers: Orphanet 140162, MedGen C0027672, MeSH D009386, MONDO:0015356.

gnomAD v4.1: 1 of 1,613,956 alleles (0.000062%); highest among the groups gnomAD compares: Non-Finnish European, 0.000085%; no homozygotes.

Submission:

Ambry Genetics
Classification: Uncertain significance for Hereditary cancer-predisposing syndrome. Last evaluated: 2024-06-30. Review status: criteria provided, single submitter. Criteria: Ambry Variant Classification Scheme 2023. Collection method: clinical testing. Allele origin: germline.
Comment: The p.S2671P variant (also known as c.8011T>C), located in coding exon 15 of the APC gene, results from a T to C substitution at nucleotide position 8011. The serine at codon 2671 is replaced by proline, an amino acid with similar properties. This amino acid position is conserved. In addition, in silico predictors for this gene do not accurately predict pathogenicity. Based on the available evidence, the clinical significance of this variant remains unclear.